The following is an entry in ClinVar:

NM_000136.3(FANCC):c.146A>G (p.Tyr49Cys)

Gene: FANCC (FA complementation group C; minus strand). Cytogenetic location: 9q22.32.
Variant type: single nucleotide variant.
Coding change: c.146A>G on transcript NM_000136.3 (MANE Select); coding-DNA position 146, A replaced by G.
Protein change: p.Tyr49Cys; replaces tyrosine 49 with cysteine.
Molecular consequence: missense variant.
Genome position (GRCh38, 1-based): chr9:95,249,146, T>C on the plus strand (A>G on the coding strand, the complement: FANCC is on the minus strand). VCF-style: chr9-95249146-T-C. GRCh37 (hg19) VCF-style: chr9-98011428-T-C.
Other names: c.146A>G, p.Tyr49Cys (NM_001243743.2, NM_001243744.2); short protein forms Y49C.
Identifiers: ClinVar variation 967892 (VCV000967892.14), dbSNP rs761845692, ClinGen allele CA5137829.

ClinVar aggregate classification (germline): Uncertain significance. Review status: criteria provided, multiple submitters, no conflicts (2 of 4 stars). 5 submissions from 5 submitters: Uncertain significance (4). 1 of the submissions does not count toward it. Last evaluated 2025-09-10.

Conditions:
Hereditary cancer-predisposing syndrome. Also called: Neoplastic Syndromes, Hereditary; Tumor predisposition; Hereditary neoplastic syndrome; Hereditary Cancer Syndrome. Identifiers: Orphanet 140162, MedGen C0027672, MeSH D009386, MONDO:0015356.
FANCC-related disorder. Also called: FANCC-related condition.
Fanconi anemia (FA). Also called: Fanconi's anemia. Identifiers: Orphanet 84, MedGen C0015625, MeSH D005199, MONDO:0019391.

Allele frequency attached by ClinVar (database versions not stated): gnomAD exomes 0.00002 and 0.00003; ExAC 0.00006.
gnomAD v4.1: 27 of 1,614,014 alleles (0.0017%); highest among the groups gnomAD compares: South Asian, 0.026%; 2 homozygotes.

Submissions (5):

Ambry Genetics
Classification: Uncertain significance for Hereditary cancer-predisposing syndrome. Last evaluated: 2025-09-10. Review status: criteria provided, single submitter. Criteria: Ambry Variant Classification Scheme 2023. Collection method: clinical testing. Allele origin: germline.

PreventionGenetics, part of Exact Sciences
Classification: Uncertain significance for FANCC-related condition. Last evaluated: 2025-05-24. Review status: criteria provided, single submitter. Criteria: ACMG Guidelines, 2015. Collection method: clinical testing. Allele origin: germline.
Comment: The FANCC c.146A>G variant is predicted to result in the amino acid substitution p.Tyr49Cys. To our knowledge, this variant has not been reported in the literature. This variant is reported in 0.023% of alleles in individuals of South Asian descent in gnomAD. At this time, the clinical significance of this variant is uncertain due to the absence of conclusive functional and genetic evidence.

GeneDx
Classification: Uncertain significance. Last evaluated: 2025-05-15. Review status: criteria provided, single submitter. Criteria: GeneDx Variant Classification Process June 2021. Collection method: clinical testing. Allele origin: germline.
Comment: In silico analysis supports that this missense variant has a deleterious effect on protein structure/function; Has not been previously published as pathogenic or benign to our knowledge; This variant is associated with the following publications: (PMID: Gordon2000[Book])

Labcorp Genetics (formerly Invitae), Labcorp
Classification: Uncertain significance for Fanconi anemia. Last evaluated: 2022-01-26. Review status: criteria provided, single submitter. Criteria: Invitae Variant Classification Sherloc (09022015). Collection method: clinical testing. Allele origin: germline.
Comment: This sequence change replaces tyrosine, which is neutral and polar, with cysteine, which is neutral and slightly polar, at codon 49 of the FANCC protein (p.Tyr49Cys). This variant is present in population databases (rs761845692, gnomAD 0.02%). This variant has not been reported in the literature in individuals affected with FANCC-related conditions. ClinVar contains an entry for this variant (Variation ID: 967892). Algorithms developed to predict the effect of missense changes on protein structure and function (SIFT, PolyPhen-2, Align-GVGD) all suggest that this variant is likely to be disruptive. In summary, the available evidence is currently insufficient to determine the role of this variant in disease. Therefore, it has been classified as a Variant of Uncertain Significance.

Natera, Inc.
Classification: Uncertain significance for Fanconi anemia. Last evaluated: 2018-12-06. Review status: no assertion criteria provided. Collection method: clinical testing. Allele origin: germline. Not counted in ClinVar's aggregate classification.